The following is an entry in ClinVar:

ClinVar aggregate classification (germline): Uncertain significance (1 of 4 stars; one submission).

Submission:

CeGaT Center for Human Genetics Tuebingen
Classification: Uncertain significance. Last evaluated: 2025-05-01. Review status: criteria provided, single submitter. Criteria: CeGaT Center For Human Genetics Tuebingen Variant Classification Criteria Version 2. Collection method: clinical testing. Allele origin: germline. Affected: yes. Observed: 1 variant allele.
Comment: STX16: PM2

NM_001001433.3(STX16):c.394-2A>C

Genes: STX16 (syntaxin 16; plus strand), STX16-NPEPL1 (STX16-NPEPL1 readthrough (NMD candidate); plus strand). Cytogenetic location: 20q13.32.
Variant type: single nucleotide variant.
Coding change: c.394-2A>C on transcript NM_001001433.3 (MANE Select); the canonical splice acceptor site of the intron before coding-DNA position 394, A replaced by C.
Molecular consequence: splice acceptor variant.
Genome position (GRCh38, 1-based): chr20:58,669,289, A>C. VCF-style: chr20-58669289-A-C. GRCh37 (hg19) VCF-style: chr20-57244345-A-C.
Other names: c.382-2A>C (NM_001134772.3); c.343-2A>C (NM_001134773.3); c.331-2A>C (NM_003763.6); c.235-2A>C (NM_001204868.2).
Identifiers: ClinVar variation 3905935 (VCV003905935.10).